The following is an entry in ClinVar:

NM_001267550.2(TTN):c.27055C>T (p.Pro9019Ser)

Gene: TTN (titin; minus strand). Cytogenetic location: 2q31.2.
Variant type: single nucleotide variant.
Coding change: c.27055C>T on transcript NM_001267550.2 (MANE Select); coding-DNA position 27055, C replaced by T.
Protein change: p.Pro9019Ser; replaces proline 9019 with serine.
Molecular consequence: missense variant. On other transcripts: intron variant (3).
Genome position (GRCh38, 1-based): chr2:178,712,970, G>A on the plus strand (C>T on the coding strand, the complement: TTN is on the minus strand). VCF-style: chr2-178712970-G-A. GRCh37 (hg19) VCF-style: chr2-179577697-G-A.
Other names: c.26104C>T, p.Pro8702Ser (NM_001256850.1); c.23323C>T, p.Pro7775Ser (NM_133378.4); c.13282+25112C>T (NM_003319.4); c.13858+25112C>T (NM_133437.4); c.13657+25112C>T (NM_133432.3); short protein forms P7775S, P8702S, P9019S.
Identifiers: ClinVar variation 1189855 (VCV001189855.2), dbSNP rs2076880929, ClinGen allele CA349458334.

ClinVar aggregate classification (germline): Uncertain significance (1 of 4 stars; one submission).

Allele frequency attached by ClinVar (database versions not stated): gnomAD exomes below 0.00001; TOPMed below 0.00001; gnomAD 0.00001.
gnomAD v4.1: 2 of 1,612,022 alleles (0.00012%); highest among the groups gnomAD compares: African/African-American, 0.0027%; no homozygotes.

Submission:

GeneDx
Classification: Uncertain significance. Last evaluated: 2019-09-10. Review status: criteria provided, single submitter. Criteria: GeneDx Variant Classification Process June 2021. Collection method: clinical testing. Allele origin: germline. Affected: yes.
Comment: Not observed in large population cohorts (Lek et al., 2016)